The following is an entry in ClinVar:

NM_004304.5(ALK):c.1075G>C (p.Gly359Arg)

Gene: ALK (ALK receptor tyrosine kinase; minus strand). Cytogenetic location: 2p23.2.
Variant type: single nucleotide variant.
Coding change: c.1075G>C on transcript NM_004304.5 (MANE Select); coding-DNA position 1075, G replaced by C.
Protein change: p.Gly359Arg; replaces glycine 359 with arginine.
Molecular consequence: missense variant.
Genome position (GRCh38, 1-based): chr2:29,531,994, C>G on the plus strand (G>C on the coding strand, the complement: ALK is on the minus strand). VCF-style: chr2-29531994-C-G. GRCh37 (hg19) VCF-style: chr2-29754860-C-G.
Other names: short protein forms G359R.
Identifiers: ClinVar variation 843440 (VCV000843440.10), dbSNP rs1673132541, ClinGen allele CA346587328.
Genomic context (GRCh38, chr2:29,531,994, plus strand): 5'-GCATCAGGAGGATCTCTCTTGCAGCCTCGTTGTGGGGCAGCAGCTGGGCAATGTACCTTC[C>G]AGAGGGCTGCAGGTGCCTGTGCACCGAGACGGCCAGTGTGCAGTGCTCACTGCTGCTCCT-3'
Protein context (NP_004295.2, residues 349-369): VSVHRHLQPS[Gly359Arg]RYIAQLLPHN

ClinVar aggregate classification (germline): Uncertain significance. Review status: criteria provided, multiple submitters, no conflicts (2 of 4 stars). 2 submissions from 2 submitters: Uncertain significance (2). Last evaluated 2025-06-26.

Conditions:
Hereditary cancer-predisposing syndrome. Also called: Neoplastic Syndromes, Hereditary; Hereditary neoplastic syndrome; Tumor predisposition; Hereditary Cancer Syndrome. Identifiers: Orphanet 140162, MedGen C0027672, MeSH D009386, MONDO:0015356.
Neuroblastoma, susceptibility to, 3. Also called: ALK-Related Neuroblastic Tumor Susceptibility. Identifiers: Orphanet 635, MedGen C2751681, MONDO:0013083, OMIM 613014.

Submissions (2):

Ambry Genetics
Classification: Uncertain significance for Hereditary cancer-predisposing syndrome. Last evaluated: 2025-06-26. Review status: criteria provided, single submitter. Criteria: Ambry Variant Classification Scheme 2023. Collection method: clinical testing. Allele origin: germline.
Comment: The p.G359R variant (also known as c.1075G>C), located in coding exon 4 of the ALK gene, results from a G to C substitution at nucleotide position 1075. The glycine at codon 359 is replaced by arginine, an amino acid with dissimilar properties. This amino acid position is conserved. In addition, the in silico prediction for this alteration is inconclusive. Based on the available evidence, the clinical significance of this variant remains unclear.

Labcorp Genetics (formerly Invitae), Labcorp
Classification: Uncertain significance for Neuroblastoma, susceptibility to, 3. Last evaluated: 2025-06-24. Review status: criteria provided, single submitter. Criteria: Invitae Variant Classification Sherloc (09022015). Collection method: clinical testing. Allele origin: germline.
Comment: This sequence change replaces glycine, which is neutral and non-polar, with arginine, which is basic and polar, at codon 359 of the ALK protein (p.Gly359Arg). This variant is not present in population databases (gnomAD no frequency). This variant has not been reported in the literature in individuals affected with ALK-related conditions. ClinVar contains an entry for this variant (Variation ID: 843440). An algorithm developed to predict the effect of missense changes on protein structure and function (PolyPhen-2) suggests that this variant is likely to be disruptive. In summary, the available evidence is currently insufficient to determine the role of this variant in disease. Therefore, it has been classified as a Variant of Uncertain Significance.